The following is an entry in ClinVar:

NM_004586.3(RPS6KA3):c.83T>C (p.Ile28Thr)

Gene: RPS6KA3 (ribosomal protein S6 kinase A3; minus strand). Cytogenetic location: Xp22.12.
Variant type: single nucleotide variant.
Coding change: c.83T>C on transcript NM_004586.3 (MANE Select); coding-DNA position 83, T replaced by C.
Protein change: p.Ile28Thr; replaces isoleucine 28 with threonine.
Molecular consequence: missense variant.
Genome position (GRCh38, 1-based): chrX:20,234,801, A>G on the plus strand (T>C on the coding strand, the complement: RPS6KA3 is on the minus strand). VCF-style: chrX-20234801-A-G. GRCh37 (hg19) VCF-style: chrX-20252919-A-G.
Other names: c.83T>C (NM_004586.2); short protein forms I28T.
Identifiers: ClinVar variation 2079036 (VCV002079036.7), dbSNP rs756013694, ClinGen allele CA10366346.
Genomic context (GRCh38, chrX:20,234,801, plus strand): 5'-TAAAATATTTTACTTACAGTTTGTGGGTTAATCTCCTCCTCTCCCATAGGTTCATCCATA[A>G]TTTGCTGTCCATTCTGTGAAAAGCACAGCAAGCAGGAAGTTACCAAAACAGACCTCACAT-3'
Protein context (NP_004577.1, residues 18-38): PSDSAENGQQ[Ile28Thr]MDEPMGEEEI

ClinVar aggregate classification (germline): Conflicting classifications of pathogenicity. Review status: criteria provided, conflicting classifications (1 of 4 stars). 3 submissions from 3 submitters: Uncertain significance (1); Likely benign (2). Last evaluated 2025-12-26.

Conditions:
Coffin-Lowry syndrome (CLS). Also called: COFFIN-LOWRY SYNDROME, MILD; Mental retardation with osteocartilaginous abnormalities. Identifiers: Orphanet 192, MedGen C0265252, MONDO:0010561, OMIM 303600.
Intellectual developmental disorder, X-linked 19. Also called: Intellectual disability, X-linked 19. Identifiers: Orphanet 777, MedGen C0796225, MONDO:0010447, OMIM 300844.
RPS6KA3-related disorder. Also called: RPS6KA3-related condition.

Allele frequency attached by ClinVar (database versions not stated): ExAC 0.00001; gnomAD exomes 0.00002; gnomAD 0.00004; TOPMed 0.00010.
gnomAD v4.1: 25 of 1,200,448 alleles (0.0021%); highest among the groups gnomAD compares: Admixed American, 0.024%; no homozygotes.

Submissions (3):

Women's Health and Genetics/Laboratory Corporation of America, LabCorp
Classification: Uncertain significance. Last evaluated: 2025-12-26. Review status: criteria provided, single submitter. Criteria: LabCorp Variant Classification Summary - May 2015. Collection method: clinical testing. Allele origin: germline.
Comment: Variant summary: RPS6KA3 c.83T>C (p.Ile28Thr) results in a non-conservative amino acid change in the encoded protein sequence. Algorithms developed to predict the effect of missense changes on protein structure and function are either unavailable or do not agree on the potential impact of this missense change. The variant allele was found at a frequency of 4.9e-05 in 183245 control chromosomes. The available data on variant occurrences in the general population are insufficient to allow any conclusion about variant significance. To our knowledge, no occurrence of c.83T>C in individuals affected with RPS6KA3-related conditions and no experimental evidence demonstrating its impact on protein function have been reported. ClinVar contains an entry for this variant (Variation ID: 2079036). Based on the evidence outlined above, the variant was classified as uncertain significance.

Labcorp Genetics (formerly Invitae), Labcorp
Classification: Likely benign for Coffin-Lowry syndrome; Intellectual developmental disorder, X-linked 19. Last evaluated: 2025-05-12. Review status: criteria provided, single submitter. Criteria: Invitae Variant Classification Sherloc (09022015). Collection method: clinical testing. Allele origin: germline.

PreventionGenetics, part of Exact Sciences
Classification: Likely benign for RPS6KA3-related condition. Last evaluated: 2024-12-10. Review status: criteria provided, single submitter. Criteria: ACMG Guidelines, 2015. Collection method: clinical testing. Allele origin: germline.
Comment: This variant is classified as likely benign based on ACMG/AMP sequence variant interpretation guidelines (Richards et al. 2015 PMID: 25741868, with internal and published modifications).